The following is an entry in ClinVar:

ClinVar aggregate classification (germline): Benign (1 of 4 stars; one submission).

Allele frequency attached by ClinVar (database versions not stated): gnomAD exomes 0.12349; gnomAD 0.13371 and 0.13973; TOPMed 0.15181; 1000 Genomes Project 0.19728; 1000 Genomes Project 30x 0.19909.
gnomAD v4.1: 55,044 of 428,658 alleles (13%); highest among the groups gnomAD compares: East Asian, 39%; 4,961 homozygotes.

Submission:

GeneDx
Classification: Benign. Last evaluated: 2018-06-18. Review status: criteria provided, single submitter. Criteria: GeneDx Variant Classification (06012015). Collection method: clinical testing. Allele origin: germline. Affected: yes.
Comment: This variant is considered likely benign or benign based on one or more of the following criteria: it is a conservative change, it occurs at a poorly conserved position in the protein, it is predicted to be benign by multiple in silico algorithms, and/or has population frequency not consistent with disease.

NM_005609.4(PYGM):c.1969+286G>C

Gene: PYGM (glycogen phosphorylase, muscle associated; minus strand). Cytogenetic location: 11q13.1.
Variant type: single nucleotide variant.
Coding change: c.1969+286G>C on transcript NM_005609.4 (MANE Select); 286 bases into the intron after coding-DNA position 1969, G replaced by C.
Molecular consequence: intron variant.
Genome position (GRCh38, 1-based): chr11:64,751,039, C>G on the plus strand (G>C on the coding strand, the complement: PYGM is on the minus strand). VCF-style: chr11-64751039-C-G. GRCh37 (hg19) VCF-style: chr11-64518511-C-G.
Other names: c.1705+286G>C (NM_001164716.1).
Identifiers: ClinVar variation 680731 (VCV000680731.1), dbSNP rs592546, ClinGen allele CA223898051.